The following is an entry in ClinVar:

NM_003024.3(ITSN1):c.652C>G (p.Pro218Ala)

Gene: ITSN1 (intersectin 1; plus strand). Cytogenetic location: 21q22.11.
Variant type: single nucleotide variant.
Coding change: c.652C>G on transcript NM_003024.3 (MANE Select); coding-DNA position 652, C replaced by G.
Protein change: p.Pro218Ala; replaces proline 218 with alanine.
Molecular consequence: missense variant.
Genome position (GRCh38, 1-based): chr21:33,755,325, C>G. VCF-style: chr21-33755325-C-G. GRCh37 (hg19) VCF-style: chr21-35127630-C-G.
Other names: c.652C>G, p.Pro218Ala (NM_001001132.2, NM_001331008.2, NM_001331009.2 and 2 more transcripts); c.541C>G, p.Pro181Ala (NM_001331012.2); short protein forms P181A, P218A.
Identifiers: ClinVar variation 5018324 (VCV005018324.1).

ClinVar aggregate classification (germline): Uncertain significance (1 of 4 stars; one submission).

Submission:

GeneDx
Classification: Uncertain significance. Last evaluated: 2026-04-08. Review status: criteria provided, single submitter. Criteria: GeneDx Variant Classification Process June 2021. Collection method: clinical testing. Allele origin: germline.
Comment: Not observed at significant frequency in large population cohorts (gnomAD); In silico analysis supports that this missense variant has a deleterious effect on protein structure/function; Has not been previously published as pathogenic or benign to our knowledge